The following is an entry in ClinVar:

NM_000090.4(COL3A1):c.447+13C>T

Gene: COL3A1 (collagen type III alpha 1 chain; plus strand). Cytogenetic location: 2q32.2.
Variant type: single nucleotide variant.
Coding change: c.447+13C>T on transcript NM_000090.4 (MANE Select); 13 bases into the intron after coding-DNA position 447, C replaced by T.
Molecular consequence: intron variant.
Genome position (GRCh38, 1-based): chr2:188,985,791, C>T. VCF-style: chr2-188985791-C-T. GRCh37 (hg19) VCF-style: chr2-189850517-C-T.
Identifiers: ClinVar variation 384757 (VCV000384757.7), dbSNP rs751726448, ClinGen allele CA076594.

ClinVar aggregate classification (germline): Likely benign. Review status: criteria provided, multiple submitters, no conflicts (2 of 4 stars). 3 submissions from 3 submitters: Likely benign (3). Last evaluated 2025-11-17.

Conditions:
Ehlers-Danlos syndrome, type 4 (EDSVASC). Also called: Ehlers-Danlos Syndrome Type IV; Ehlers-Danlos syndrome vascular type; Ehlers Danlos syndrome, ecchymotic type; Ehlers Danlos syndrome, arterial type; Ehlers Danlos syndrome, Sack-Barabas type. Identifiers: Orphanet 286, MedGen C0268338, MONDO:0017314, OMIM 130050.

Allele frequency attached by ClinVar (database versions not stated): ExAC 0.00004; gnomAD exomes 0.00004 and 0.00003; TOPMed 0.00002; gnomAD 0.00003.
gnomAD v4.1: 51 of 1,572,504 alleles (0.0032%); highest among the groups gnomAD compares: Non-Finnish European, 0.0032%; no homozygotes.

Submissions (3):

Women's Health and Genetics/Laboratory Corporation of America, LabCorp
Classification: Likely benign. Last evaluated: 2025-11-17. Review status: criteria provided, single submitter. Criteria: LabCorp Variant Classification Summary - May 2015. Collection method: clinical testing. Allele origin: germline.

Labcorp Genetics (formerly Invitae), Labcorp
Classification: Likely benign for Ehlers-Danlos syndrome, type 4. Last evaluated: 2024-07-04. Review status: criteria provided, single submitter. Criteria: Invitae Variant Classification Sherloc (09022015). Collection method: clinical testing. Allele origin: germline.

GeneDx
Classification: Likely benign. Last evaluated: 2017-07-20. Review status: criteria provided, single submitter. Criteria: GeneDx Variant Classification (06012015). Collection method: clinical testing. Allele origin: germline. Affected: yes.
Comment: This variant is considered likely benign or benign based on one or more of the following criteria: it is a conservative change, it occurs at a poorly conserved position in the protein, it is predicted to be benign by multiple in silico algorithms, and/or has population frequency not consistent with disease.